The following is an entry in ClinVar:

ClinVar aggregate classification (germline): Conflicting classifications of pathogenicity. Review status: criteria provided, conflicting classifications (1 of 4 stars). 4 submissions from 4 submitters: Pathogenic (1); Uncertain significance (2). 1 of the submissions does not count toward it. Last evaluated 2026-01-02.

Conditions:
Cardiomyopathy (CMYO). Also called: Cardiomyopathies. Identifiers: Orphanet 167848, MedGen C0878544, MONDO:0004994, HP:0001638. Inheritance: Various modes of inheritance.
Hypertrophic cardiomyopathy 1 (CMH1). Also called: Familial hypertrophic cardiomyopathy 1; MYH7-Related Familial Hypertrophic Cardiomyopathy. Identifiers: MedGen C3495498, MONDO:0008647, OMIM 192600.
Left ventricular noncompaction 5 (LVNC5). Identifiers: MedGen C3150690, MONDO:0800351.
Hypertrophic cardiomyopathy. Also called: HYPERTROPHIC MYOCARDIOPATHY. Identifiers: Orphanet 217569, MedGen C0007194, MeSH D002312, MONDO:0005045, HP:0001639.

Submissions (4):

Institute of Human Genetics, University of Leipzig Medical Center
Classification: Uncertain significance for Hypertrophic cardiomyopathy 1. Last evaluated: 2026-01-02. Review status: criteria provided, single submitter. Criteria: ACMG Guidelines, 2015. Collection method: clinical testing. Allele origin: unknown. Inheritance: Autosomal dominant inheritance. Affected: yes.
Comment: Criteria applied: PS4,PM2_SUP

Labcorp Genetics (formerly Invitae), Labcorp
Classification: Pathogenic for Hypertrophic cardiomyopathy. Last evaluated: 2023-07-13. Review status: criteria provided, single submitter. Criteria: Invitae Variant Classification Sherloc (09022015). Collection method: clinical testing. Allele origin: germline.
Comment: For these reasons, this variant has been classified as Pathogenic. Advanced modeling of protein sequence and biophysical properties (such as structural, functional, and spatial information, amino acid conservation, physicochemical variation, residue mobility, and thermodynamic stability) performed at Invitae indicates that this missense variant is expected to disrupt MYH7 protein function. ClinVar contains an entry for this variant (Variation ID: 14128). This missense change has been observed in individual(s) with left ventricular noncompaction (PMID: 18506004, 20965760). In at least one individual the variant was observed to be de novo. This variant is not present in population databases (gnomAD no frequency). This sequence change replaces alanine, which is neutral and non-polar, with threonine, which is neutral and polar, at codon 1766 of the MYH7 protein (p.Ala1766Thr).

Color Diagnostics, LLC DBA Color Health
Classification: Uncertain significance for Cardiomyopathy. Last evaluated: 2020-08-17. Review status: criteria provided, single submitter. Criteria: ACMG Guidelines, 2015. Collection method: clinical testing. Allele origin: germline.
Comment: This missense variant replaces alanine with threonine at codon 1766 of the MYH7 protein. Computational prediction is inconclusive regarding the impact of this variant on protein structure and function (internally defined REVEL score threshold 0.5 < inconclusive < 0.7, PMID: 27666373). To our knowledge, functional studies have not been reported for this variant. This variant has not been identified in the general population by the Genome Aggregation Database (gnomAD). The available evidence is insufficient to determine the role of this variant in disease conclusively. Therefore, this variant is classified as a Variant of Uncertain Significance.

OMIM
Classification: Pathogenic for LEFT VENTRICULAR NONCOMPACTION 5. Last evaluated: 2008-06-03. Review status: no assertion criteria provided. Collection method: literature only. Allele origin: germline. Not counted in ClinVar's aggregate classification.

Literature cited by the submitters: PubMed 18506004 (cited by Labcorp Genetics (formerly Invitae), Labcorp and OMIM); PubMed 20965760 (cited by Labcorp Genetics (formerly Invitae), Labcorp).

NM_000257.4(MYH7):c.5296G>A (p.Ala1766Thr)

Genes: MYH7 (myosin heavy chain 7; minus strand), LOC126861897 (BRD4-independent group 4 enhancer GRCh37_chr14:23884455-23885654; plus strand). Cytogenetic location: 14q11.2.
Variant type: single nucleotide variant.
Coding change: c.5296G>A on transcript NM_000257.4 (MANE Select); coding-DNA position 5296, G replaced by A.
Protein change: p.Ala1766Thr; replaces alanine 1766 with threonine.
Molecular consequence: missense variant.
Genome position (GRCh38, 1-based): chr14:23,415,258, C>T on the plus strand (G>A on the coding strand, the complement: MYH7 is on the minus strand). VCF-style: chr14-23415258-C-T. GRCh37 (hg19) VCF-style: chr14-23884467-C-T.
Other names: c.5296G>A, p.Ala1766Thr (LRG_384t1); short protein forms A1766T.
Identifiers: ClinVar variation 14128 (VCV000014128.7), dbSNP rs267606909, ClinGen allele CA015871.